The following is an entry in ClinVar:

ClinVar aggregate classification (germline): Likely benign (1 of 4 stars; one submission).

gnomAD v4.1: 3 of 1,533,740 alleles (0.0002%); highest among the groups gnomAD compares: Non-Finnish European, 0.00026%; no homozygotes.

Submission:

CeGaT Center for Human Genetics Tuebingen
Classification: Likely benign. Last evaluated: 2023-01-01. Review status: criteria provided, single submitter. Criteria: CeGaT Center For Human Genetics Tuebingen Variant Classification Criteria Version 2. Collection method: clinical testing. Allele origin: germline. Affected: yes. Observed: 1 variant allele.
Comment: IRX5: BP4, BP7

NM_005853.6(IRX5):c.783C>G (p.Leu261=)

Gene: IRX5 (iroquois homeobox 5; plus strand). Cytogenetic location: 16q12.2.
Variant type: single nucleotide variant.
Coding change: c.783C>G on transcript NM_005853.6 (MANE Select); coding-DNA position 783, C replaced by G.
Protein change: p.Leu261=; no amino-acid change (leucine 261 retained).
Molecular consequence: synonymous variant.
Genome position (GRCh38, 1-based): chr16:54,933,204, C>G. VCF-style: chr16-54933204-C-G. GRCh37 (hg19) VCF-style: chr16-54967116-C-G.
Other names: c.780C>G, p.Leu260= (NM_001252197.1).
Identifiers: ClinVar variation 2646535 (VCV002646535.24), dbSNP rs750725523, ClinGen allele CA495795073.
Genomic context (GRCh38, chr16:54,933,204, plus strand): 5'-GGAGACGGAGGGCAGCCTCAGCGACTCGGATTTTAAGGAGCCGCCCTCGGAGGGCCGCCT[C>G]GACGCGCTGCAGGGCCCCCCCCGCACCGGCGGGCCCTCCCCGGCTGGGCCAGCGGCGGCG-3'
Protein context (NP_005844.4, residues 251-271): DFKEPPSEGR[Leu261=]DALQGPPRTG